The following is an entry in ClinVar:

ClinVar aggregate classification (germline): Pathogenic (1 of 4 stars; one submission).

Conditions:
VPS13A-related neurodegenerative disease. Also called: ACANTHOCYTOSIS WITH NEUROLOGIC DISORDER; LEVINE-CRITCHLEY SYNDROME; Choreoacanthocytosis; Chorea-acanthocytosis; Choreaacanthocytosis; VPS13A Disease. Identifiers: Orphanet 2388, MedGen C0393576, MONDO:0008695, OMIM 200150.

Submission:

Myriad Genetics, Inc.
Classification: Pathogenic for VPS13A-related neurodegenerative disease. Last evaluated: 2025-12-18. Review status: criteria provided, single submitter. Criteria: Myriad Autosomal Dominant, Autosomal Recessive and X-Linked Classification Criteria (2023). Collection method: clinical testing. Allele origin: unknown.
Comment: NM_033305.2(VPS13A):c.1616C>A(S539*) is expected to be pathogenic in the context of VPS13A disease. This variant is predicted to lead to an abnormal or absent protein product due to the creation of a premature termination codon in VPS13A, a gene where loss-of-function variants are known to be pathogenic. Please note: this variant was assessed in the context of healthy population screening.

NM_033305.3(VPS13A):c.1616C>A (p.Ser539Ter)

Gene: VPS13A (vacuolar protein sorting 13 homolog A; plus strand). Cytogenetic location: 9q21.2.
Variant type: single nucleotide variant.
Coding change: c.1616C>A on transcript NM_033305.3 (MANE Select); coding-DNA position 1616, C replaced by A.
Protein change: p.Ser539Ter; replaces serine 539 with a stop codon.
Molecular consequence: nonsense.
Genome position (GRCh38, 1-based): chr9:77,238,022, C>A. VCF-style: chr9-77238022-C-A. GRCh37 (hg19) VCF-style: chr9-79852938-C-A.
Other names: c.1616C>A, p.Ser539Ter (NM_001018037.2, NM_001018038.3, NM_015186.4); short protein forms S539*.
Identifiers: ClinVar variation 5015341 (VCV005015341.1).